The following is an entry in ClinVar:

NM_000428.3(LTBP2):c.2012A>T (p.Gln671Leu)

Gene: LTBP2 (latent transforming growth factor beta binding protein 2; minus strand). Cytogenetic location: 14q24.3.
Variant type: single nucleotide variant.
Coding change: c.2012A>T on transcript NM_000428.3 (MANE Select); coding-DNA position 2012, A replaced by T.
Protein change: p.Gln671Leu; replaces glutamine 671 with leucine.
Molecular consequence: missense variant.
Genome position (GRCh38, 1-based): chr14:74,529,098, T>A on the plus strand (A>T on the coding strand, the complement: LTBP2 is on the minus strand). VCF-style: chr14-74529098-T-A. GRCh37 (hg19) VCF-style: chr14-74995801-T-A.
Other names: c.2012A>T (NM_000428.2); short protein forms Q671L.
Identifiers: ClinVar variation 1362045 (VCV001362045.6), dbSNP rs201372116, ClinGen allele CA7269666.

ClinVar aggregate classification (germline): Uncertain significance. Review status: criteria provided, multiple submitters, no conflicts (2 of 4 stars). 4 submissions from 3 submitters: Uncertain significance (4). Last evaluated 2025-06-10.

Conditions:
Microspherophakia and/or megalocornea, with ectopia lentis and with or without secondary glaucoma (MSPKA). Identifiers: Orphanet 238763, MedGen C3538951, MONDO:0009633, OMIM 251750.
Glaucoma 3, primary congenital, D. Identifiers: Orphanet 98976, MedGen C2751316, MONDO:0013122, OMIM 613086.
Weill-Marchesani syndrome 3 (WMS3). Also called: LTBP2-Related Weill-Marchesani Syndrome; Weill-Marchesani syndrome 3, recessive. Identifiers: Orphanet 3449, MedGen C3553785, MONDO:0013899, OMIM 614819.
Inborn genetic diseases. Identifiers: MedGen C0950123, MeSH D030342.
Microspherophakia. Identifiers: MedGen C1562061, HP:0030961.

Allele frequency attached by ClinVar (database versions not stated): ExAC 0.00005; gnomAD 0.00008; 1000 Genomes Project 30x 0.00016; 1000 Genomes Project 0.00020.
gnomAD v4.1: 95 of 1,552,626 alleles (0.0061%); highest among the groups gnomAD compares: Middle Eastern, 0.017%; no homozygotes.

Submissions (4):

Ambry Genetics
Classification: Uncertain significance for Inborn genetic diseases. Last evaluated: 2025-06-10. Review status: criteria provided, single submitter. Criteria: Ambry Variant Classification Scheme 2023. Collection method: clinical testing. Allele origin: germline.

Labcorp Genetics (formerly Invitae), Labcorp
Classification: Uncertain significance. Last evaluated: 2022-09-07. Review status: criteria provided, single submitter. Criteria: Invitae Variant Classification Sherloc (09022015). Collection method: clinical testing. Allele origin: germline.
Comment: This sequence change replaces glutamine, which is neutral and polar, with leucine, which is neutral and non-polar, at codon 671 of the LTBP2 protein (p.Gln671Leu). This variant is present in population databases (rs201372116, gnomAD 0.01%). This variant has not been reported in the literature in individuals affected with LTBP2-related conditions. ClinVar contains an entry for this variant (Variation ID: 1362045). Algorithms developed to predict the effect of missense changes on protein structure and function (SIFT, PolyPhen-2, Align-GVGD) all suggest that this variant is likely to be disruptive. Algorithms developed to predict the effect of sequence changes on RNA splicing suggest that this variant may disrupt the consensus splice site. In summary, the available evidence is currently insufficient to determine the role of this variant in disease. Therefore, it has been classified as a Variant of Uncertain Significance.

Center for Genomics, Ann and Robert H. Lurie Children's Hospital of Chicago
Classification: Uncertain significance for Glaucoma 3, primary congenital, D; Microspherophakia and/or megalocornea, with ectopia lentis and with or without secondary glaucoma; Weill-Marchesani syndrome 3. Last evaluated: 2021-12-28. Review status: criteria provided, single submitter. Criteria: ACMG Guidelines, 2015. Collection method: clinical testing. Allele origin: germline.
Comment: LTBP2 NM_000428.2 exon 11 p.Gln671Leu (c.2012A>T): This variant has not been reported in the literature but is present in 0.01% (9/68038) of European alleles in the Genome Aggregation Database. Evolutionary conservation and computational predictive tools for this variant are unclear. In summary, data on this variant is insufficient for disease classification. Therefore, the clinical significance of this variant is uncertain.

Center for Genomics, Ann and Robert H. Lurie Children's Hospital of Chicago
Classification: Uncertain significance for Glaucoma 3, primary congenital, D; Microspherophakia and/or megalocornea, with ectopia lentis and with or without secondary glaucoma; Weill-Marchesani syndrome 3. Review status: criteria provided, single submitter. Criteria: ACMG Guidelines, 2015. Collection method: clinical testing. Allele origin: germline.
Comment: LThis variant has not been reported in the literature but is present in 0.01% (9/68038) of European alleles in the Genome Aggregation Database. Evolutionary conservation and computational predictive tools for this variant are unclear. In summary, data on this variant is insufficient for disease classification. Therefore, the clinical significance of this variant is uncertain.